The following is an entry in ClinVar:

NM_001184.4(ATR):c.3524T>A (p.Met1175Lys)

Gene: ATR (ATR checkpoint kinase; minus strand). Cytogenetic location: 3q23.
Variant type: single nucleotide variant.
Coding change: c.3524T>A on transcript NM_001184.4 (MANE Select); coding-DNA position 3524, T replaced by A.
Protein change: p.Met1175Lys; replaces methionine 1175 with lysine.
Molecular consequence: missense variant.
Genome position (GRCh38, 1-based): chr3:142,540,961, A>T on the plus strand (T>A on the coding strand, the complement: ATR is on the minus strand). VCF-style: chr3-142540961-A-T. GRCh37 (hg19) VCF-style: chr3-142259803-A-T.
Other names: c.3332T>A, p.Met1111Lys (NM_001354579.2); short protein forms M1111K, M1175K.
Identifiers: ClinVar variation 3221125 (VCV003221125.1), dbSNP rs2108438183, ClinGen allele CA354807813.

ClinVar aggregate classification (germline): Uncertain significance (1 of 4 stars; one submission).

Conditions:
Inborn genetic diseases. Identifiers: MedGen C0950123, MeSH D030342.

Submission:

Ambry Genetics
Classification: Uncertain significance for Inborn genetic diseases. Last evaluated: 2023-12-30. Review status: criteria provided, single submitter. Criteria: Ambry Variant Classification Scheme 2023. Collection method: clinical testing. Allele origin: germline.
Comment: The p.M1175K variant (also known as c.3524T>A), located in coding exon 18 of the ATR gene, results from a T to A substitution at nucleotide position 3524. The methionine at codon 1175 is replaced by lysine, an amino acid with similar properties. This amino acid position is conserved. In addition, this alteration is predicted to be deleterious by in silico analysis. Since supporting evidence is limited at this time, the clinical significance of this alteration remains unclear.